The following is an entry in ClinVar:

ClinVar aggregate classification (germline): Pathogenic/Likely pathogenic. Review status: criteria provided, multiple submitters, no conflicts (2 of 4 stars). 2 submissions from 2 submitters: Pathogenic (1); Likely pathogenic (1). Last evaluated 2025-09-27.

Conditions:
Trimethylaminuria (TMAU). Also called: FISH-ODOR SYNDROME; Fish malodor syndrome; Stale fish syndrome; TMAuria; Primary Trimethylaminuria. Identifiers: MedGen C0342739, MONDO:0011182, OMIM 602079, HP:0003614. Disease mechanism: loss of function.

gnomAD v4.1: 1 of 1,613,992 alleles (0.000062%); highest among the groups gnomAD compares: East Asian, 0.0022%; no homozygotes.

Submissions (2):

Myriad Genetics, Inc.
Classification: Pathogenic for Trimethylaminuria. Last evaluated: 2025-09-27. Review status: criteria provided, single submitter. Criteria: Myriad Autosomal Dominant, Autosomal Recessive and X-Linked Classification Criteria (2023). Collection method: clinical testing. Allele origin: unknown.
Comment: NM_001002294.2(FMO3):c.693G>A(W231*) is expected to be pathogenic in the context of primary trimethylaminuria. This variant is predicted to lead to an abnormal or absent protein product due to the creation of a premature termination codon in FMO3, a gene where loss-of-function variants are known to be pathogenic. Please note: this variant was assessed in the context of healthy population screening.

Juno Genomics, Hangzhou Juno Genomics, Inc
Classification: Likely pathogenic for Trimethylaminuria. Review status: criteria provided, single submitter. Criteria: ACMG Guidelines, 2015. Collection method: clinical testing. Allele origin: germline.
Comment: Null variant in a gene where loss of function (LOF) is a known mechanism of disease.;Absent from controls (or at extremely low frequency if recessive) in Genome Aggregation Database.

NM_001002294.3(FMO3):c.693G>A (p.Trp231Ter)

Gene: FMO3 (flavin containing dimethylaniline monoxygenase 3; plus strand). Cytogenetic location: 1q24.3.
Variant type: single nucleotide variant.
Coding change: c.693G>A on transcript NM_001002294.3 (MANE Select); coding-DNA position 693, G replaced by A.
Protein change: p.Trp231Ter; replaces tryptophan 231 with a stop codon.
Molecular consequence: nonsense.
Genome position (GRCh38, 1-based): chr1:171,110,863, G>A. VCF-style: chr1-171110863-G-A. GRCh37 (hg19) VCF-style: chr1-171080004-G-A.
Other names: c.633G>A, p.Trp211Ter (NM_001319173.2); c.504G>A, p.Trp168Ter (NM_001319174.2); c.693G>A, p.Trp231Ter (NM_006894.6); short protein forms W168*, W211*, W231*.
Identifiers: ClinVar variation 5005281 (VCV005005281.3).